The following is an entry in ClinVar:

ClinVar aggregate classification (germline): Pathogenic (1 of 4 stars; one submission).

Conditions:
Tuberous sclerosis 1 (TSC1). Identifiers: Orphanet 805, MedGen C1854465, MONDO:0008612, OMIM 191100.

Submission:

Labcorp Genetics (formerly Invitae), Labcorp
Classification: Pathogenic for Tuberous sclerosis 1. Last evaluated: 2022-07-19. Review status: criteria provided, single submitter. Criteria: Invitae Variant Classification Sherloc (09022015). Collection method: clinical testing. Allele origin: germline.
Comment: This variant is a gross deletion of the genomic region encompassing exon(s) 9-12 of the TSC1 gene. This deletion is out-of-frame, and is expected to create a premature termination codon and result in an absent or disrupted protein product. Loss-of-function variants in TSC1 are known to be pathogenic (PMID: 10227394, 17304050). A similar copy number variant has been observed in individual(s) with tuberous sclerosis complex (PMID: 28065512). For these reasons, this variant has been classified as Pathogenic.

Literature cited by the submitters: PubMed 10227394; PubMed 17304050; PubMed 28065512.

NC_000009.12:g.(?_132910551)_(132912477_?)del

Gene: TSC1 (TSC complex subunit 1; minus strand). Cytogenetic location: 9q34.13.
Variant type: Deletion.
Identifiers: ClinVar variation 466000 (VCV000466000.6).